The following is an entry in ClinVar:

ClinVar aggregate classification (germline): Uncertain significance (1 of 4 stars; one submission).

Allele frequency attached by ClinVar (database versions not stated): gnomAD exomes below 0.00001.
gnomAD v4.1: 1 of 1,613,264 alleles (0.000062%); highest among the groups gnomAD compares: Non-Finnish European, 0.000085%; no homozygotes.

Submission:

Labcorp Genetics (formerly Invitae), Labcorp
Classification: Uncertain significance. Last evaluated: 2026-01-12. Review status: criteria provided, single submitter. Criteria: Invitae Variant Classification Sherloc (09022015). Collection method: clinical testing. Allele origin: germline.
Comment: This sequence change replaces alanine, which is neutral and non-polar, with valine, which is neutral and non-polar, at codon 4330 of the HMCN1 protein (p.Ala4330Val). This variant is not present in population databases (gnomAD no frequency). This variant has not been reported in the literature in individuals affected with HMCN1-related conditions. ClinVar contains an entry for this variant (Variation ID: 2413236). An algorithm developed to predict the effect of missense changes on protein structure and function (PolyPhen-2) suggests that this variant is likely to be disruptive. In summary, the available evidence is currently insufficient to determine the role of this variant in disease. Therefore, it has been classified as a Variant of Uncertain Significance.

NM_031935.3(HMCN1):c.12989C>T (p.Ala4330Val)

Gene: HMCN1 (hemicentin 1; plus strand). Cytogenetic location: 1q31.1.
Variant type: single nucleotide variant.
Coding change: c.12989C>T on transcript NM_031935.3 (MANE Select); coding-DNA position 12989, C replaced by T.
Protein change: p.Ala4330Val; replaces alanine 4330 with valine.
Molecular consequence: missense variant.
Genome position (GRCh38, 1-based): chr1:186,130,050, C>T. VCF-style: chr1-186130050-C-T. GRCh37 (hg19) VCF-style: chr1-186099182-C-T.
Other names: short protein forms A4330V.
Identifiers: ClinVar variation 2413236 (VCV002413236.6), dbSNP rs2528066866, ClinGen allele CA343907163.
Genomic context (GRCh38, chr1:186,130,050, plus strand): 5'-ACAGTGAACTTGTTATTGAAAGAGTGTCAAAAGAGGATTCAGGTACTTATGTGTGCACCG[C>T]AGAGAACAGCGTTGGCTTTGTGAAGGCAATTGGATTTGTTTATGTGAAAGGTAGGGAAAA-3'
Protein context (NP_114141.2, residues 4320-4340): KEDSGTYVCT[Ala4330Val]ENSVGFVKAI